The following is an entry in ClinVar:

NM_007175.8(ERLIN2):c.76A>T (p.Ile26Leu)

Gene: ERLIN2 (ER lipid raft associated 2; plus strand). Cytogenetic location: 8p11.23.
Variant type: single nucleotide variant.
Coding change: c.76A>T on transcript NM_007175.8 (MANE Select); coding-DNA position 76, A replaced by T.
Protein change: p.Ile26Leu; replaces isoleucine 26 with leucine.
Molecular consequence: missense variant.
Genome position (GRCh38, 1-based): chr8:37,737,998, A>T. VCF-style: chr8-37737998-A-T. GRCh37 (hg19) VCF-style: chr8-37595516-A-T.
Other names: c.76A>T, p.Ile26Leu (NM_001003790.4, NM_001003791.3, NM_001362878.2 and 1 more transcripts); short protein forms I26L.
Identifiers: ClinVar variation 836175 (VCV000836175.7), dbSNP rs1302684546, ClinGen allele CA370649051.

ClinVar aggregate classification (germline): Uncertain significance. Review status: criteria provided, multiple submitters, no conflicts (2 of 4 stars). 2 submissions from 2 submitters: Uncertain significance (2). Last evaluated 2025-08-10.

Conditions:
Inborn genetic diseases. Identifiers: MedGen C0950123, MeSH D030342.
Spastic paraplegia. Identifiers: MedGen C0037772, HP:0001258.

Allele frequency attached by ClinVar (database versions not stated): gnomAD 0.00001.
gnomAD v4.1: 2 of 1,614,068 alleles (0.00012%); highest among the groups gnomAD compares: Admixed American, 0.0033%; no homozygotes.

Submissions (2):

Ambry Genetics
Classification: Uncertain significance for Inborn genetic diseases. Last evaluated: 2025-08-10. Review status: criteria provided, single submitter. Criteria: Ambry Variant Classification Scheme 2023. Collection method: clinical testing. Allele origin: germline.

Labcorp Genetics (formerly Invitae), Labcorp
Classification: Uncertain significance for Spastic paraplegia. Last evaluated: 2022-07-19. Review status: criteria provided, single submitter. Criteria: Invitae Variant Classification Sherloc (09022015). Collection method: clinical testing. Allele origin: germline.
Comment: In summary, the available evidence is currently insufficient to determine the role of this variant in disease. Therefore, it has been classified as a Variant of Uncertain Significance. Algorithms developed to predict the effect of missense changes on protein structure and function are either unavailable or do not agree on the potential impact of this missense change (SIFT: "Deleterious"; PolyPhen-2: "Probably Damaging"; Align-GVGD: "Class C0"). ClinVar contains an entry for this variant (Variation ID: 836175). This variant has not been reported in the literature in individuals affected with ERLIN2-related conditions. This variant is present in population databases (no rsID available, gnomAD 0.003%). This sequence change replaces isoleucine, which is neutral and non-polar, with leucine, which is neutral and non-polar, at codon 26 of the ERLIN2 protein (p.Ile26Leu).